The following is an entry in ClinVar:

ClinVar aggregate classification (germline): Conflicting classifications of pathogenicity. Review status: criteria provided, conflicting classifications (1 of 4 stars). 2 submissions from 2 submitters: Likely pathogenic (1); Uncertain significance (1). Last evaluated 2024-03-25.

Conditions:
Familial thoracic aortic aneurysm and aortic dissection (TAAD). Also called: Thoracic aortic aneurysms and dissections. Identifiers: Orphanet 91387, MedGen C4707243, MONDO:0019625.
Marfan syndrome (MFS). Also called: FBN1-Related Marfan Syndrome; Marfan syndrome type 1; Marfan's syndrome; Marfan syndrome, classic; MARFAN SYNDROME, TYPE I. Identifiers: Orphanet 284963, Orphanet 558, MedGen C0024796, MONDO:0007947, OMIM 154700.

Allele frequency attached by ClinVar (database versions not stated): gnomAD exomes below 0.00001.
gnomAD v4.1: 2 of 1,613,722 alleles (0.00012%); highest among the groups gnomAD compares: Non-Finnish European, 0.00017%; no homozygotes.

Submissions (2):

Greenwood Genetic Center Diagnostic Laboratories, Greenwood Genetic Center
Classification: Likely pathogenic for Marfan syndrome. Last evaluated: 2024-03-25. Review status: criteria provided, single submitter. Criteria: ACMG Guidelines, 2015. Collection method: clinical testing. Allele origin: germline. Affected: yes.
Comment: PM1, PM2, PM5_Supporting, PP2, PP3

Color Diagnostics, LLC DBA Color Health
Classification: Uncertain significance for Familial thoracic aortic aneurysm and aortic dissection. Last evaluated: 2024-03-06. Review status: criteria provided, single submitter. Criteria: ACMG Guidelines, 2015. Collection method: clinical testing. Allele origin: germline.
Comment: This missense variant replaces glycine with alanine at codon 1301 of the FBN1 protein. Computational prediction suggests that this variant may have deleterious impact on protein structure and function (internally defined REVEL score threshold >= 0.7, PMID: 27666373). To our knowledge, functional studies have not been reported for this variant. This variant has not been reported in individuals affected with cardiovascular disorders in the literature. This variant has not been identified in the general population by the Genome Aggregation Database (gnomAD). The available evidence is insufficient to determine the role of this variant in disease conclusively. Therefore, this variant is classified as a Variant of Uncertain Significance.

NM_000138.5(FBN1):c.3902G>C (p.Gly1301Ala)

Gene: FBN1 (fibrillin 1; minus strand). Cytogenetic location: 15q21.1.
Variant type: single nucleotide variant.
Coding change: c.3902G>C on transcript NM_000138.5 (MANE Select); coding-DNA position 3902, G replaced by C.
Protein change: p.Gly1301Ala; replaces glycine 1301 with alanine.
Molecular consequence: missense variant.
Genome position (GRCh38, 1-based): chr15:48,481,717, C>G on the plus strand (G>C on the coding strand, the complement: FBN1 is on the minus strand). VCF-style: chr15-48481717-C-G. GRCh37 (hg19) VCF-style: chr15-48773914-C-G.
Other names: short protein forms G1301A.
Identifiers: ClinVar variation 629532 (VCV000629532.5), dbSNP rs1566908083, ClinGen allele CA392322361.